The following is an entry in ClinVar:

ClinVar aggregate classification (germline): Benign/Likely benign. Review status: criteria provided, multiple submitters, no conflicts (2 of 4 stars). 2 submissions from 2 submitters: Benign (1); Likely benign (1). Last evaluated 2019-03-28.

Conditions:
Nemaline myopathy 6 (NEM6). Also called: Nemaline myopathy 6, autosomal dominant. Identifiers: Orphanet 171439, MedGen C1836472, MONDO:0012237, OMIM 609273.

Allele frequency attached by ClinVar (database versions not stated): 1000 Genomes Project 0.00260; 1000 Genomes Project 30x 0.00328; gnomAD 0.00383 and 0.00410; TOPMed 0.00393.
gnomAD v4.1: 578 of 152,328 alleles (0.38%); highest among the groups gnomAD compares: African/African-American, 1.3%; 3 homozygotes.

Submissions (2):

GeneDx
Classification: Likely benign. Last evaluated: 2019-03-28. Review status: criteria provided, single submitter. Criteria: GeneDx Variant Classification Process June 2021. Collection method: clinical testing. Allele origin: germline. Affected: yes.

Illumina Laboratory Services, Illumina
Classification: Benign for Nemaline myopathy 6. Last evaluated: 2018-01-12. Review status: criteria provided, single submitter. Criteria: ICSL Variant Classification Criteria 13 December 2019. Collection method: clinical testing. Allele origin: germline.
Comment: This variant was observed in the ICSL laboratory as part of a predisposition screen in an ostensibly healthy population. It had not been previously curated by ICSL or reported in the Human Gene Mutation Database (HGMD: prior to June 1st, 2018), and was therefore a candidate for classification through an automated scoring system. Utilizing variant allele frequency, disease prevalence and penetrance estimates, and inheritance mode, an automated score was calculated to assess if this variant is too frequent to cause the disease. Based on the score and internal cut-off values, a variant classified as benign is not then subjected to further curation. The score for this variant resulted in a classification of benign for this disease.

NM_001101362.3(KBTBD13):c.*222G>A

Gene: KBTBD13 (kelch repeat and BTB domain containing 13; plus strand). Cytogenetic location: 15q22.31.
Variant type: single nucleotide variant.
Coding change: c.*222G>A on transcript NM_001101362.3 (MANE Select); 222 bases downstream of the stop codon, G replaced by A.
Molecular consequence: 3 prime UTR variant.
Genome position (GRCh38, 1-based): chr15:65,078,414, G>A. VCF-style: chr15-65078414-G-A. GRCh37 (hg19) VCF-style: chr15-65370752-G-A.
Identifiers: ClinVar variation 887587 (VCV000887587.6), dbSNP rs114112578, ClinGen allele CA271505237.
Genomic context (GRCh38, chr15:65,078,414, plus strand): 5'-GGGAGCAGTGATGATGCCCTCAAATTACTTGGGCTCTGCTGAGAGCTGGTGGGTCACAAT[G>A]TCAGTGAACAGGGTAGGGGGAGTTGGGATTTGAATAATCCGGGCTTATATGTAATGGGCT-3'